The following is an entry in ClinVar:

NC_000023.10:g.(?_46713474)_(46714179_?)del

Gene: RP2 (RP2 activator of ARL3 GTPase; plus strand). Cytogenetic location: Xp11.23.
Variant type: Deletion.
Identifiers: ClinVar variation 2425666 (VCV002425666.4).

ClinVar aggregate classification (germline): Likely pathogenic (1 of 4 stars; one submission).

Submission:

Labcorp Genetics (formerly Invitae), Labcorp
Classification: Likely pathogenic. Last evaluated: 2022-02-25. Review status: criteria provided, single submitter. Criteria: Invitae Variant Classification Sherloc (09022015). Collection method: clinical testing. Allele origin: germline.
Comment: In summary, the currently available evidence indicates that the variant is pathogenic, but additional data are needed to prove that conclusively. Therefore, this variant has been classified as Likely Pathogenic. This variant disrupts a region of the RP2 protein in which other variant(s) (p.Leu253Arg) have been observed in individuals with RP2-related conditions (PMID: 10634633). This suggests that this is a clinically significant region of the protein, and that variants that disrupt it are likely to be disease-causing. This variant has not been reported in the literature in individuals affected with RP2-related conditions. This variant results in the deletion of part of exon 2 (c.669_768+606del) of the RP2 gene. It is expected to disrupt RNA splicing. Variants that disrupt the donor or acceptor splice site typically lead to a loss of protein function (PMID: 16199547), and loss-of-function variants in RP2 are known to be pathogenic (PMID: 11992260, 20625056).

Literature cited by the submitters: PubMed 10634633; PubMed 16199547; PubMed 11992260; PubMed 20625056.